The following is an entry in ClinVar:

ClinVar aggregate classification (germline): Likely benign. Review status: criteria provided, multiple submitters, no conflicts (2 of 4 stars). 2 submissions from 2 submitters: Likely benign (2). Last evaluated 2026-01-22.

Conditions:
MYCN-related disorder. Also called: MYCN-related condition.

gnomAD v4.1: 17 of 1,582,308 alleles (0.0011%); highest among the groups gnomAD compares: Admixed American, 0.0068%; no homozygotes.

Submissions (2):

PreventionGenetics, part of Exact Sciences
Classification: Likely benign for MYCN-related condition. Last evaluated: 2026-01-22. Review status: criteria provided, single submitter. Criteria: ACMG Guidelines, 2015. Collection method: clinical testing. Allele origin: germline.
Comment: This variant is classified as likely benign based on ACMG/AMP sequence variant interpretation guidelines (Richards et al. 2015 PMID: 25741868, with internal and published modifications).

Labcorp Genetics (formerly Invitae), Labcorp
Classification: Likely benign. Last evaluated: 2026-01-18. Review status: criteria provided, single submitter. Criteria: Invitae Variant Classification Sherloc (09022015). Collection method: clinical testing. Allele origin: germline.

NM_005378.6(MYCN):c.790+8C>T

Gene: MYCN (MYCN proto-oncogene, bHLH transcription factor; plus strand). Cytogenetic location: 2p24.3.
Variant type: single nucleotide variant.
Coding change: c.790+8C>T on transcript NM_005378.6 (MANE Select); 8 bases into the intron after coding-DNA position 790, C replaced by T.
Molecular consequence: intron variant.
Genome position (GRCh38, 1-based): chr2:15,942,862, C>T. VCF-style: chr2-15942862-C-T. GRCh37 (hg19) VCF-style: chr2-16082984-C-T.
Other names: c.790+8C>T (NM_001293228.2, NM_005378.5); c.*725+8C>T (NM_001293233.2); c.157+2119C>T (NM_001293231.2).
Identifiers: ClinVar variation 4694569 (VCV004694569.2).